The following is an entry in ClinVar:

NM_006767.4(LZTR1):c.16A>C (p.Ser6Arg)

Genes: LZTR1 (leucine zipper like post translational regulator 1; plus strand), LOC130067016 (ATAC-STARR-seq lymphoblastoid silent region 13504; plus strand). Cytogenetic location: 22q11.21.
Variant type: single nucleotide variant.
Coding change: c.16A>C on transcript NM_006767.4 (MANE Select); coding-DNA position 16, A replaced by C.
Protein change: p.Ser6Arg; replaces serine 6 with arginine.
Molecular consequence: missense variant.
Genome position (GRCh38, 1-based): chr22:20,982,387, A>C. VCF-style: chr22-20982387-A-C. GRCh37 (hg19) VCF-style: chr22-21336676-A-C.
Other names: short protein forms S6R.
Identifiers: ClinVar variation 3238124 (VCV003238124.2), dbSNP rs2518607564.
Genomic context (GRCh38, chr22:20,982,387, plus strand): 5'-CCGCAAGTTGGGCTTACAGCGCGGCCGATCCGGCGTGGACCCGGGATGGCTGGACCGGGC[A>C]GCACGGGGGGGCAGATCGGGGCTGCGGCCCTGGCAGGCGGCGCGCGGTCCAAGGTAGCCC-3'
Protein context (NP_006758.2, residues 1-16): MAGPG[Ser6Arg]TGGQIGAAAL

ClinVar aggregate classification (germline): Uncertain significance. Review status: criteria provided, multiple submitters, no conflicts (2 of 4 stars). 2 submissions from 2 submitters: Uncertain significance (2). Last evaluated 2025-04-18.

Conditions:
Hereditary cancer-predisposing syndrome. Also called: Neoplastic Syndromes, Hereditary; Tumor predisposition; Hereditary neoplastic syndrome; Hereditary Cancer Syndrome. Identifiers: Orphanet 140162, MedGen C0027672, MeSH D009386, MONDO:0015356.
Cardiovascular phenotype. Identifiers: MedGen CN230736.

Submissions (2):

Labcorp Genetics (formerly Invitae), Labcorp
Classification: Uncertain significance. Last evaluated: 2025-04-18. Review status: criteria provided, single submitter. Criteria: Invitae Variant Classification Sherloc (09022015). Collection method: clinical testing. Allele origin: germline.
Comment: This sequence change replaces serine, which is neutral and polar, with arginine, which is basic and polar, at codon 6 of the LZTR1 protein (p.Ser6Arg). This variant is not present in population databases (gnomAD no frequency). This variant has not been reported in the literature in individuals affected with LZTR1-related conditions. ClinVar contains an entry for this variant (Variation ID: 3238124). Invitae Evidence Modeling of protein sequence and biophysical properties (such as structural, functional, and spatial information, amino acid conservation, physicochemical variation, residue mobility, and thermodynamic stability) has been performed for this missense variant. However, the output from this modeling did not meet the statistical confidence thresholds required to predict the impact of this variant on LZTR1 protein function. In summary, the available evidence is currently insufficient to determine the role of this variant in disease. Therefore, it has been classified as a Variant of Uncertain Significance.

Ambry Genetics
Classification: Uncertain significance for Cardiovascular phenotype; Hereditary cancer-predisposing syndrome. Last evaluated: 2023-12-18. Review status: criteria provided, single submitter. Criteria: Ambry Variant Classification Scheme 2023. Collection method: clinical testing. Allele origin: germline.
Comment: The p.S6R variant (also known as c.16A>C), located in coding exon 1 of the LZTR1 gene, results from an A to C substitution at nucleotide position 16. The serine at codon 6 is replaced by arginine, an amino acid with dissimilar properties. This amino acid position is conserved. In addition, this alteration is predicted to be tolerated by in silico analysis. Since supporting evidence is limited at this time, the clinical significance of this alteration remains unclear.